The following is an entry in ClinVar:

NM_080680.3(COL11A2):c.4364T>C (p.Ile1455Thr)

Gene: COL11A2 (collagen type XI alpha 2 chain; minus strand). Cytogenetic location: 6p21.32.
Variant type: single nucleotide variant.
Coding change: c.4364T>C on transcript NM_080680.3 (MANE Select); coding-DNA position 4364, T replaced by C.
Protein change: p.Ile1455Thr; replaces isoleucine 1455 with threonine.
Molecular consequence: missense variant.
Genome position (GRCh38, 1-based): chr6:33,166,541, A>G on the plus strand (T>C on the coding strand, the complement: COL11A2 is on the minus strand). VCF-style: chr6-33166541-A-G. GRCh37 (hg19) VCF-style: chr6-33134318-A-G.
Other names: c.4184T>C, p.Ile1395Thr (NM_001424108.1); c.3518T>C, p.Ile1173Thr (NM_001424109.1); c.3338T>C, p.Ile1113Thr (NM_001424110.1, NM_001424111.1); c.2318T>C, p.Ile773Thr (NM_001424112.1); c.4043T>C, p.Ile1348Thr (NM_080679.3); c.4106T>C, p.Ile1369Thr (NM_080681.3); short protein forms I1173T, I1348T, I1369T, I1113T, I1455T, I1395T, I773T.
Identifiers: ClinVar variation 3016898 (VCV003016898.3), dbSNP rs2534514416, ClinGen allele CA363620140.
Genomic context (GRCh38, chr6:33,166,541, plus strand): 5'-GGATTTTGTGGAGGAACAGAGGCAGTACTCACGGGGAGGCCGGGGGGACCTCCAGGACCA[A>G]TGGGGCCGGATGCTCCTGGGATACCCTAGGAAGGGTAGTGGCTGGTTCAACTGGGTCCTC-3'
Protein context (NP_542411.2, residues 1445-1465): EMGIPGASGP[Ile1455Thr]GPGGPPGLPG

ClinVar aggregate classification (germline): Uncertain significance (1 of 4 stars; one submission).

gnomAD v4.1: 1 of 1,613,792 alleles (0.000062%); no homozygotes.

Submission:

Labcorp Genetics (formerly Invitae), Labcorp
Classification: Uncertain significance. Last evaluated: 2023-08-02. Review status: criteria provided, single submitter. Criteria: Invitae Variant Classification Sherloc (09022015). Collection method: clinical testing. Allele origin: germline.
Comment: This sequence change replaces isoleucine, which is neutral and non-polar, with threonine, which is neutral and polar, at codon 1455 of the COL11A2 protein (p.Ile1455Thr). In summary, the available evidence is currently insufficient to determine the role of this variant in disease. Therefore, it has been classified as a Variant of Uncertain Significance. Advanced modeling of protein sequence and biophysical properties (such as structural, functional, and spatial information, amino acid conservation, physicochemical variation, residue mobility, and thermodynamic stability) performed at Invitae indicates that this missense variant is not expected to disrupt COL11A2 protein function. This variant has not been reported in the literature in individuals affected with COL11A2-related conditions. This variant is not present in population databases (gnomAD no frequency).